The following is an entry in ClinVar:

NM_004958.4(MTOR):c.4687-3T>C

Genes: MTOR (mechanistic target of rapamycin kinase; minus strand), MTOR-AS1 (MTOR antisense RNA 1; plus strand). Cytogenetic location: 1p36.22.
Variant type: single nucleotide variant.
Coding change: c.4687-3T>C on transcript NM_004958.4 (MANE Select); 3 bases into the intron before coding-DNA position 4687, T replaced by C.
Molecular consequence: intron variant.
Genome position (GRCh38, 1-based): chr1:11,145,048, A>G on the plus strand (T>C on the coding strand, the complement: MTOR is on the minus strand). VCF-style: chr1-11145048-A-G. GRCh37 (hg19) VCF-style: chr1-11205105-A-G.
Identifiers: ClinVar variation 833723 (VCV000833723.10), dbSNP rs760066667, ClinGen allele CA589565.

ClinVar aggregate classification (germline): Conflicting classifications of pathogenicity. Review status: criteria provided, conflicting classifications (1 of 4 stars). 2 submissions from 2 submitters: Uncertain significance (1); Likely benign (1). Last evaluated 2025-02-02.

Allele frequency attached by ClinVar (database versions not stated): gnomAD exomes below 0.00001; ExAC 0.00001; TOPMed 0.00001.
gnomAD v4.1: 2 of 1,614,024 alleles (0.00012%); highest among the groups gnomAD compares: Non-Finnish European, 0.00017%; no homozygotes.

Submissions (2):

Labcorp Genetics (formerly Invitae), Labcorp
Classification: Likely benign. Last evaluated: 2025-02-02. Review status: criteria provided, single submitter. Criteria: Invitae Variant Classification Sherloc (09022015). Collection method: clinical testing. Allele origin: germline.

Women's Health and Genetics/Laboratory Corporation of America, LabCorp
Classification: Uncertain significance. Last evaluated: 2023-10-19. Review status: criteria provided, single submitter. Criteria: LabCorp Variant Classification Summary - May 2015. Collection method: clinical testing. Allele origin: germline.
Comment: Variant summary: FRAP1 c.4687-3T>C alters a non-conserved nucleotide located close to a canonical splice site and therefore could affect mRNA splicing. Consensus agreement among computation tools predict no significant impact on normal splicing. However, these predictions have yet to be confirmed by functional studies. The variant allele was found at a frequency of 4e-06 in 251228 control chromosomes. The available data on variant occurrences in the general population are insufficient to allow any conclusion about variant significance. To our knowledge, no occurrence of c.4687-3T>C in individuals affected with Smith-Kingsmore Syndrome and no experimental evidence demonstrating its impact on protein function have been reported. One submitter has cited clinical-significance assessments for this variant to ClinVar after 2014 and has classified the variant as likely benign. Based on the evidence outlined above, the variant was classified as uncertain significance.